The following is an entry in ClinVar:

NM_032043.3(BRIP1):c.*172G>C

Gene: BRIP1 (BRCA1 interacting DNA helicase 1; minus strand). Cytogenetic location: 17q23.2.
Variant type: single nucleotide variant.
Coding change: c.*172G>C on transcript NM_032043.3 (MANE Select); 172 bases downstream of the stop codon, G replaced by C.
Molecular consequence: 3 prime UTR variant.
Genome position (GRCh38, 1-based): chr17:61,683,124, C>G on the plus strand (G>C on the coding strand, the complement: BRIP1 is on the minus strand). VCF-style: chr17-61683124-C-G. GRCh37 (hg19) VCF-style: chr17-59760485-C-G.
Identifiers: ClinVar variation 324343 (VCV000324343.7), dbSNP rs111898257, ClinGen allele CA10640143.

ClinVar aggregate classification (germline): Benign/Likely benign. Review status: criteria provided, multiple submitters, no conflicts (2 of 4 stars). 2 submissions from 2 submitters: Benign (1); Likely benign (1). Last evaluated 2019-08-15.

Conditions:
Fanconi anemia complementation group J. Also called: BRIP1-Related Fanconi Anemia. Identifiers: Orphanet 84, MedGen C1836860, MONDO:0012187, OMIM 609054.

Allele frequency attached by ClinVar (database versions not stated): gnomAD exomes 0.00111; gnomAD 0.01026 and 0.01099; TOPMed 0.01158; 1000 Genomes Project 30x 0.01452; 1000 Genomes Project 0.01458.
gnomAD v4.1: 2,248 of 758,280 alleles (0.3%); highest among the groups gnomAD compares: African/African-American, 3.6%; 48 homozygotes.

Submissions (2):

GeneDx
Classification: Likely benign. Last evaluated: 2019-08-15. Review status: criteria provided, single submitter. Criteria: GeneDx Variant Classification Process June 2021. Collection method: clinical testing. Allele origin: germline. Affected: yes.

Illumina Laboratory Services, Illumina
Classification: Benign for Fanconi anemia complementation group J. Last evaluated: 2018-01-13. Review status: criteria provided, single submitter. Criteria: ICSL Variant Classification Criteria 13 December 2019. Collection method: clinical testing. Allele origin: germline.
Comment: This variant was observed in the ICSL laboratory as part of a predisposition screen in an ostensibly healthy population. It had not been previously curated by ICSL or reported in the Human Gene Mutation Database (HGMD: prior to June 1st, 2018), and was therefore a candidate for classification through an automated scoring system. Utilizing variant allele frequency, disease prevalence and penetrance estimates, and inheritance mode, an automated score was calculated to assess if this variant is too frequent to cause the disease. Based on the score and internal cut-off values, a variant classified as benign is not then subjected to further curation. The score for this variant resulted in a classification of benign for this disease.